The following is an entry in ClinVar:

NM_006493.4(CLN5):c.529G>T (p.Glu177Ter)

Gene: CLN5 (CLN5 lysosomal BMP synthase; plus strand). Cytogenetic location: 13q22.3.
Variant type: single nucleotide variant.
Coding change: c.529G>T on transcript NM_006493.4 (MANE Select); coding-DNA position 529, G replaced by T.
Protein change: p.Glu177Ter; replaces glutamic acid 177 with a stop codon.
Molecular consequence: nonsense.
Genome position (GRCh38, 1-based): chr13:76,996,091, G>T. VCF-style: chr13-76996091-G-T. GRCh37 (hg19) VCF-style: chr13-77570226-G-T.
Other names: c.529G>T, p.Glu177Ter (NM_001366624.2); short protein forms E177*, E226*.
Identifiers: ClinVar variation 2840740 (VCV002840740.4), dbSNP rs2501140759, ClinGen allele CA388309518.
Genomic context (GRCh38, chr13:76,996,091, plus strand): 5'-TTCTGGTGTAATCAAGGCGCTGCCTGCTTTTTTGAGGGAATTGATGATGTTCACTGGAAG[G>T]AAAATGGGACATTAGTTCAAGTAGCAACTATATCAGGTAAGTTGTGAAAATATAGCAATA-3'

ClinVar aggregate classification (germline): Pathogenic/Likely pathogenic. Review status: criteria provided, multiple submitters, no conflicts (2 of 4 stars). 2 submissions from 2 submitters: Pathogenic (1); Likely pathogenic (1). Last evaluated 2024-11-04.

Conditions:
Neuronal ceroid lipofuscinosis. Also called: Neuronal Ceroid Lipofuscinoses. Identifiers: Orphanet 216, Orphanet 79263, MedGen C0027877, MONDO:0016295. Disease mechanism: loss of function.

Submissions (2):

Natera, Inc.
Classification: Likely pathogenic for Neuronal ceroid lipofuscinosis. Last evaluated: 2024-11-04. Review status: criteria provided, single submitter. Criteria: Natera Variant Classification Schema (03/2026). Collection method: clinical testing. Allele origin: germline.
Comment: The c.676G>T variant in CLN5 is a nonsense variant predicted to introduce a stop codon at amino acid 226. This variant is expected to result in nonsense mediated decay, truncation, or a dysfunctional protein product. This variant is rare in the general population with a frequency below the threshold expected for the associated phenotype(s). Given the available evidence, this variant is classified as Likely Pathogenic.

Labcorp Genetics (formerly Invitae), Labcorp
Classification: Pathogenic for Neuronal ceroid lipofuscinosis. Last evaluated: 2023-02-25. Review status: criteria provided, single submitter. Criteria: Invitae Variant Classification Sherloc (09022015). Collection method: clinical testing. Allele origin: germline.
Comment: For these reasons, this variant has been classified as Pathogenic. This variant disrupts a region of the CLN5 protein in which other variant(s) (p.Tyr392*) have been determined to be pathogenic (PMID: 9662406, 11971870, 12134079). This suggests that this is a clinically significant region of the protein, and that variants that disrupt it are likely to be disease-causing. This variant has not been reported in the literature in individuals affected with CLN5-related conditions. This variant is not present in population databases (gnomAD no frequency). This sequence change creates a premature translational stop signal (p.Glu226*) in the CLN5 gene. While this is not anticipated to result in nonsense mediated decay, it is expected to disrupt the last 182 amino acid(s) of the CLN5 protein.

Literature cited by the submitters: PubMed 9662406 (cited by Labcorp Genetics (formerly Invitae), Labcorp); PubMed 11971870 (cited by Labcorp Genetics (formerly Invitae), Labcorp); PubMed 12134079 (cited by Labcorp Genetics (formerly Invitae), Labcorp).